The following is an entry in ClinVar:

NM_006031.6(PCNT):c.1318G>T (p.Glu440Ter)

Gene: PCNT (pericentrin; plus strand). Cytogenetic location: 21q22.3.
Variant type: single nucleotide variant.
Coding change: c.1318G>T on transcript NM_006031.6 (MANE Select); coding-DNA position 1318, G replaced by T.
Protein change: p.Glu440Ter; replaces glutamic acid 440 with a stop codon.
Molecular consequence: nonsense.
Genome position (GRCh38, 1-based): chr21:46,349,794, G>T. VCF-style: chr21-46349794-G-T. GRCh37 (hg19) VCF-style: chr21-47769708-G-T.
Other names: c.964G>T, p.Glu322Ter (NM_001315529.2); short protein forms E322*, E440*.
Identifiers: ClinVar variation 3660923 (VCV003660923.2).

ClinVar aggregate classification (germline): Pathogenic (1 of 4 stars; one submission).

gnomAD v4.1: 2 of 1,614,106 alleles (0.00012%); highest among the groups gnomAD compares: African/African-American, 0.0027%; no homozygotes.

Submission:

Labcorp Genetics (formerly Invitae), Labcorp
Classification: Pathogenic. Last evaluated: 2024-08-20. Review status: criteria provided, single submitter. Criteria: Invitae Variant Classification Sherloc (09022015). Collection method: clinical testing. Allele origin: germline.
Comment: This sequence change creates a premature translational stop signal (p.Glu440*) in the PCNT gene. It is expected to result in an absent or disrupted protein product. Loss-of-function variants in PCNT are known to be pathogenic (PMID: 18174396, 22821869). This variant is present in population databases (no rsID available, gnomAD 0.01%). This variant has not been reported in the literature in individuals affected with PCNT-related conditions. For these reasons, this variant has been classified as Pathogenic.

Literature cited by the submitters: PubMed 18174396; PubMed 22821869.